The following is an entry in ClinVar:

NM_000113.3(TOR1A):c.539T>C (p.Ile180Thr)

Gene: TOR1A (torsin family 1 member A; minus strand). Cytogenetic location: 9q34.11.
Variant type: single nucleotide variant.
Coding change: c.539T>C on transcript NM_000113.3 (MANE Select); coding-DNA position 539, T replaced by C.
Protein change: p.Ile180Thr; replaces isoleucine 180 with threonine.
Molecular consequence: missense variant.
Genome position (GRCh38, 1-based): chr9:129,818,826, A>G on the plus strand (T>C on the coding strand, the complement: TOR1A is on the minus strand). VCF-style: chr9-129818826-A-G. GRCh37 (hg19) VCF-style: chr9-132581105-A-G.
Other names: short protein forms I180T.
Identifiers: ClinVar variation 1366893 (VCV001366893.6), dbSNP rs767114942, ClinGen allele CA5278625.

ClinVar aggregate classification (germline): Uncertain significance (1 of 4 stars; one submission).

Conditions:
Dystonic disorder. Also called: Dystonia. Identifiers: MedGen C0013421, MONDO:0003441, HP:0001332.

Allele frequency attached by ClinVar (database versions not stated): ExAC 0.00001; gnomAD 0.00001; gnomAD exomes 0.00001.
gnomAD v4.1: 5 of 1,613,822 alleles (0.00031%); highest among the groups gnomAD compares: Admixed American, 0.0033%; no homozygotes.

Submission:

Labcorp Genetics (formerly Invitae), Labcorp
Classification: Uncertain significance for Dystonic disorder. Last evaluated: 2022-11-15. Review status: criteria provided, single submitter. Criteria: Invitae Variant Classification Sherloc (09022015). Collection method: clinical testing. Allele origin: germline.
Comment: In summary, the available evidence is currently insufficient to determine the role of this variant in disease. Therefore, it has been classified as a Variant of Uncertain Significance. Advanced modeling of protein sequence and biophysical properties (such as structural, functional, and spatial information, amino acid conservation, physicochemical variation, residue mobility, and thermodynamic stability) performed at Invitae indicates that this missense variant is expected to disrupt TOR1A protein function. ClinVar contains an entry for this variant (Variation ID: 1366893). This variant has not been reported in the literature in individuals affected with TOR1A-related conditions. This variant is present in population databases (rs767114942, gnomAD 0.008%). This sequence change replaces isoleucine, which is neutral and non-polar, with threonine, which is neutral and polar, at codon 180 of the TOR1A protein (p.Ile180Thr).